The following is an entry in ClinVar:

NM_133259.4(LRPPRC):c.1965+2T>C

Gene: LRPPRC (leucine rich pentatricopeptide repeat containing; minus strand). Cytogenetic location: 2p21.
Variant type: single nucleotide variant.
Coding change: c.1965+2T>C on transcript NM_133259.4 (MANE Select); the canonical splice donor site of the intron after coding-DNA position 1965, T replaced by C.
Molecular consequence: splice donor variant.
Genome position (GRCh38, 1-based): chr2:43,947,729, A>G on the plus strand (T>C on the coding strand, the complement: LRPPRC is on the minus strand). VCF-style: chr2-43947729-A-G. GRCh37 (hg19) VCF-style: chr2-44174868-A-G.
Identifiers: ClinVar variation 2019273 (VCV002019273.5), dbSNP rs2466571300, ClinGen allele CA346675689.

ClinVar aggregate classification (germline): Likely pathogenic. Review status: criteria provided, multiple submitters, no conflicts (2 of 4 stars). 2 submissions from 2 submitters: Likely pathogenic (2). Last evaluated 2023-04-03.

Conditions:
Congenital lactic acidosis, Saguenay-Lac-Saint-Jean type (MC4DN5). Also called: MITOCHONDRIAL COMPLEX IV DEFICIENCY, NUCLEAR TYPE 5; CYTOCHROME c OXIDASE DEFICIENCY, FRENCH CANADIAN TYPE; COX DEFICIENCY, FRENCH CANADIAN TYPE. Identifiers: Orphanet 70472, MedGen C1857355, MONDO:0009069, OMIM 220111.

Allele frequency attached by ClinVar (database versions not stated): gnomAD exomes below 0.00001.
gnomAD v4.1: 1 of 1,546,050 alleles (0.000065%); highest among the groups gnomAD compares: Non-Finnish European, 0.000089%; no homozygotes.

Submissions (2):

Labcorp Genetics (formerly Invitae), Labcorp
Classification: Likely pathogenic. Last evaluated: 2023-04-03. Review status: criteria provided, single submitter. Criteria: Invitae Variant Classification Sherloc (09022015). Collection method: clinical testing. Allele origin: germline.
Comment: In summary, the currently available evidence indicates that the variant is pathogenic, but additional data are needed to prove that conclusively. Therefore, this variant has been classified as Likely Pathogenic. Algorithms developed to predict the effect of sequence changes on RNA splicing suggest that this variant may disrupt the consensus splice site. ClinVar contains an entry for this variant (Variation ID: 2019273). This variant has not been reported in the literature in individuals affected with LRPPRC-related conditions. This variant is not present in population databases (gnomAD no frequency). This sequence change affects a donor splice site in intron 19 of the LRPPRC gene. It is expected to disrupt RNA splicing. Variants that disrupt the donor or acceptor splice site typically lead to a loss of protein function (PMID: 16199547), and loss-of-function variants in LRPPRC are known to be pathogenic (PMID: 26510951).

Baylor Genetics
Classification: Likely pathogenic for Congenital lactic acidosis, Saguenay-Lac-Saint-Jean type. Last evaluated: 2023-02-11. Review status: criteria provided, single submitter. Criteria: ACMG Guidelines, 2015. Collection method: clinical testing. Allele origin: unknown.

Literature cited by the submitters: PubMed 16199547 (cited by Labcorp Genetics (formerly Invitae), Labcorp); PubMed 26510951 (cited by Labcorp Genetics (formerly Invitae), Labcorp).